The following is an entry in ClinVar:

NM_006031.6(PCNT):c.9585G>C (p.Arg3195Ser)

Gene: PCNT (pericentrin; plus strand). Cytogenetic location: 21q22.3.
Variant type: single nucleotide variant.
Coding change: c.9585G>C on transcript NM_006031.6 (MANE Select); coding-DNA position 9585, G replaced by C.
Protein change: p.Arg3195Ser; replaces arginine 3195 with serine.
Molecular consequence: missense variant.
Genome position (GRCh38, 1-based): chr21:46,441,046, G>C. VCF-style: chr21-46441046-G-C. GRCh37 (hg19) VCF-style: chr21-47860959-G-C.
Other names: c.8994G>C, p.Arg2998Ser (NM_001315529.2); short protein forms R2998S, R3195S.
Identifiers: ClinVar variation 3415867 (VCV003415867.2).

ClinVar aggregate classification (germline): Uncertain significance. Review status: criteria provided, multiple submitters, no conflicts (2 of 4 stars). 2 submissions from 2 submitters: Uncertain significance (2). Last evaluated 2026-02-04.

Conditions:
Inborn genetic diseases. Identifiers: MedGen C0950123, MeSH D030342.
PCNT-related disorder. Also called: PCNT-related condition.

gnomAD v4.1: 4 of 1,613,928 alleles (0.00025%); highest among the groups gnomAD compares: Non-Finnish European, 0.00034%; no homozygotes.

Submissions (2):

PreventionGenetics, part of Exact Sciences
Classification: Uncertain significance for PCNT-related condition. Last evaluated: 2026-02-04. Review status: criteria provided, single submitter. Criteria: ACMG Guidelines, 2015. Collection method: clinical testing. Allele origin: germline.
Comment: The PCNT c.9585G>C variant is predicted to result in the amino acid substitution p.Arg3195Ser. To our knowledge, this variant has not been reported in the literature. This variant is reported in 0.00088% of alleles in individuals of European (Non-Finnish) descent in gnomAD. At this time, the clinical significance of this variant is uncertain due to the absence of conclusive functional and genetic evidence.

Ambry Genetics
Classification: Uncertain significance for Inborn genetic diseases. Last evaluated: 2024-12-10. Review status: criteria provided, single submitter. Criteria: Ambry Variant Classification Scheme 2023. Collection method: clinical testing. Allele origin: germline.